The following is an entry in ClinVar:

ClinVar aggregate classification (germline): Likely pathogenic (1 of 4 stars; one submission).

Conditions:
Primary ciliary dyskinesia. Also called: Ciliary dyskinesia. Identifiers: Orphanet 244, MedGen C0008780, MONDO:0016575, HP:0012265.

Submission:

Department of Human Genetics, Hannover Medical School
Classification: Likely pathogenic for Primary Ciliary Dyskinesia. Last evaluated: 2026-04-01. Review status: criteria provided, single submitter. Criteria: ACMG Guidelines, 2015. Collection method: research. Allele origin: germline. Affected: no.
Comment: Classification performed by HerediClassify using the following criteria:['PM2_supporting: Variant occures does not occur as homozygous in gnomAD.', 'PVS1_splicing_very_strong: Transcript ENST00000393483 undergoes NMD.']

NM_025244.4(TSGA10):c.1615-1G>T

Gene: TSGA10 (testis specific 10; minus strand). Cytogenetic location: 2q11.2.
Variant type: single nucleotide variant.
Coding change: c.1615-1G>T on transcript NM_025244.4 (MANE Select); the canonical splice acceptor site of the intron before coding-DNA position 1615, G replaced by T.
Molecular consequence: splice acceptor variant.
Genome position (GRCh38, 1-based): chr2:99,020,483, C>A on the plus strand (G>T on the coding strand, the complement: TSGA10 is on the minus strand). VCF-style: chr2-99020483-C-A. GRCh37 (hg19) VCF-style: chr2-99636946-C-A.
Other names: c.1288-1G>T (NM_001349013.2, NM_001349014.1); c.1615-1G>T (NM_182911.4, NM_001349012.1).
Identifiers: ClinVar variation 4880151 (VCV004880151.1).
Genomic context (GRCh38, chr2:99,020,483, plus strand): 5'-TGCCATCTGACTCCTCAGGAGTTCAATTTCAGAATGAGCAGAATCTAACTCATTCTCCCT[C>A]TGTTCAATAACAAGAAGATATCTACACTTATTCCCATTAATTCACTTAACTATTATATTA-3'